The following is an entry in ClinVar:

NM_002546.4(TNFRSF11B):c.1102A>G (p.Thr368Ala)

Gene: TNFRSF11B (TNF receptor superfamily member 11b; minus strand). Cytogenetic location: 8q24.12.
Variant type: single nucleotide variant.
Coding change: c.1102A>G on transcript NM_002546.4 (MANE Select); coding-DNA position 1102, A replaced by G.
Protein change: p.Thr368Ala; replaces threonine 368 with alanine.
Molecular consequence: missense variant.
Genome position (GRCh38, 1-based): chr8:118,924,478, T>C on the plus strand (A>G on the coding strand, the complement: TNFRSF11B is on the minus strand). VCF-style: chr8-118924478-T-C. GRCh37 (hg19) VCF-style: chr8-119936717-T-C.
Other names: short protein forms T368A.
Identifiers: ClinVar variation 2282696 (VCV002282696.6), dbSNP rs149720389, ClinGen allele CA184863316.

ClinVar aggregate classification (germline): Uncertain significance. Review status: criteria provided, multiple submitters, no conflicts (2 of 4 stars). 2 submissions from 2 submitters: Uncertain significance (2). Last evaluated 2025-05-21.

Conditions:
Inborn genetic diseases. Identifiers: MedGen C0950123, MeSH D030342.

gnomAD v4.1: 11 of 1,614,018 alleles (0.00068%); highest among the groups gnomAD compares: Non-Finnish European, 0.00076%; no homozygotes.

Submissions (2):

Ambry Genetics
Classification: Uncertain significance for Inborn genetic diseases. Last evaluated: 2025-05-21. Review status: criteria provided, single submitter. Criteria: Ambry Variant Classification Scheme 2023. Collection method: clinical testing. Allele origin: germline.

Labcorp Genetics (formerly Invitae), Labcorp
Classification: Uncertain significance. Last evaluated: 2023-08-07. Review status: criteria provided, single submitter. Criteria: Invitae Variant Classification Sherloc (09022015). Collection method: clinical testing. Allele origin: germline.
Comment: An algorithm developed to predict the effect of missense changes on protein structure and function (PolyPhen-2) suggests that this variant is likely to be tolerated. In summary, the available evidence is currently insufficient to determine the role of this variant in disease. Therefore, it has been classified as a Variant of Uncertain Significance. ClinVar contains an entry for this variant (Variation ID: 2282696). This variant has not been reported in the literature in individuals affected with TNFRSF11B-related conditions. This variant is not present in population databases (gnomAD no frequency). This sequence change replaces threonine, which is neutral and polar, with alanine, which is neutral and non-polar, at codon 368 of the TNFRSF11B protein (p.Thr368Ala).